The following is an entry in ClinVar:

NM_000321.3(RB1):c.2211+4G>A

Gene: RB1 (RB transcriptional corepressor 1; plus strand). Cytogenetic location: 13q14.2.
Variant type: single nucleotide variant.
Coding change: c.2211+4G>A on transcript NM_000321.3 (MANE Select); 4 bases into the intron after coding-DNA position 2211, G replaced by A.
Molecular consequence: intron variant.
Genome position (GRCh38, 1-based): chr13:48,463,839, G>A. VCF-style: chr13-48463839-G-A. GRCh37 (hg19) VCF-style: chr13-49037975-G-A.
Other names: c.2211+4G>A (NM_001407165.1).
Identifiers: ClinVar variation 2450503 (VCV002450503.2), dbSNP rs1060503076, ClinGen allele CA2580087650.

ClinVar aggregate classification (germline): Uncertain significance (1 of 4 stars; one submission).

Conditions:
Hereditary cancer-predisposing syndrome. Also called: Neoplastic Syndromes, Hereditary; Tumor predisposition; Hereditary neoplastic syndrome; Hereditary Cancer Syndrome. Identifiers: Orphanet 140162, MedGen C0027672, MeSH D009386, MONDO:0015356.

Submission:

Ambry Genetics
Classification: Uncertain significance for Hereditary cancer-predisposing syndrome. Last evaluated: 2022-12-20. Review status: criteria provided, single submitter. Criteria: Ambry Variant Classification Scheme 2023. Collection method: clinical testing. Allele origin: germline.
Comment: The c.2211+4G>A intronic variant results from a G to A substitution 4 nucleotides after coding exon 21 in the RB1 gene. This nucleotide position is not well conserved in available vertebrate species. In silico splice site analysis predicts that this alteration will not have any significant effect on splicing. Since supporting evidence is limited at this time, the clinical significance of this alteration remains unclear.